The following is an entry in ClinVar:

ClinVar aggregate classification (germline): Uncertain significance. Review status: criteria provided, multiple submitters, no conflicts (2 of 4 stars). 2 submissions from 2 submitters: Uncertain significance (2). Last evaluated 2025-08-02.

Conditions:
Inborn genetic diseases. Identifiers: MedGen C0950123, MeSH D030342.
ETV6-related disorder. Also called: ETV6-related condition.

Submissions (2):

Ambry Genetics
Classification: Uncertain significance for Inborn genetic diseases. Last evaluated: 2025-08-02. Review status: criteria provided, single submitter. Criteria: Ambry Variant Classification Scheme 2023. Collection method: clinical testing. Allele origin: germline.
Comment: The p.V285E variant (also known as c.854T>A), located in coding exon 5 of the ETV6 gene, results from a T to A substitution at nucleotide position 854. The valine at codon 285 is replaced by glutamic acid, an amino acid with dissimilar properties. This amino acid position is conserved. In addition, this alteration is predicted to be tolerated by in silico analysis. Based on the available evidence, the clinical significance of this variant remains unclear.

PreventionGenetics, part of Exact Sciences
Classification: Uncertain significance for ETV6-related condition. Last evaluated: 2025-07-01. Review status: criteria provided, single submitter. Criteria: ACMG Guidelines, 2015. Collection method: clinical testing. Allele origin: germline.
Comment: The ETV6 c.854T>A variant is predicted to result in the amino acid substitution p.Val285Glu. To our knowledge, this variant has not been reported in the literature or in a large population database (gnomAD), indicating this variant is rare. At this time, the clinical significance of this variant is uncertain due to the absence of conclusive functional and genetic evidence.

NM_001987.5(ETV6):c.854T>A (p.Val285Glu)

Gene: ETV6 (ETS variant transcription factor 6; plus strand). Cytogenetic location: 12p13.2.
Variant type: single nucleotide variant.
Coding change: c.854T>A on transcript NM_001987.5 (MANE Select); coding-DNA position 854, T replaced by A.
Protein change: p.Val285Glu; replaces valine 285 with glutamic acid.
Molecular consequence: missense variant.
Genome position (GRCh38, 1-based): chr12:11,869,814, T>A. VCF-style: chr12-11869814-T-A. GRCh37 (hg19) VCF-style: chr12-12022748-T-A.
Other names: c.851T>A, p.Val284Glu (NM_001413913.1); c.827T>A, p.Val276Glu (NM_001413914.1); c.590T>A, p.Val197Glu (NM_001413915.1); c.854T>A, p.Val285Glu (NM_001413916.1, NM_001413917.1); short protein forms V197E, V276E, V284E, V285E.
Identifiers: ClinVar variation 4251467 (VCV004251467.2).